The following is an entry in ClinVar:

NM_000718.4(CACNA1B):c.5208C>T (p.Tyr1736=)

Gene: CACNA1B (calcium voltage-gated channel subunit alpha1 B; plus strand). Cytogenetic location: 9q34.3.
Variant type: single nucleotide variant.
Coding change: c.5208C>T on transcript NM_000718.4 (MANE Select); coding-DNA position 5208, C replaced by T.
Protein change: p.Tyr1736=; no amino-acid change (tyrosine 1736 retained).
Molecular consequence: synonymous variant.
Genome position (GRCh38, 1-based): chr9:138,096,597, C>T. VCF-style: chr9-138096597-C-T. GRCh37 (hg19) VCF-style: chr9-140991049-C-T.
Other names: c.5208C>T, p.Tyr1736= (NM_001243812.2).
Identifiers: ClinVar variation 2673211 (VCV002673211.26), dbSNP rs201271068, ClinGen allele CA5377266.
Genomic context (GRCh38, chr9:138,096,597, plus strand): 5'-GGACTCTTCCATCCTAGGTCCTCACCACTTGGATGAGTTCATCCGGGTCTGGGCTGAATA[C>T]GACCCGGCTGCGTGGTAAGTGAGCCGTGGTGCTCTGTGGTCCTTGGGGGTGGTCCATGCC-3'
Protein context (NP_000709.1, residues 1726-1746): LDEFIRVWAE[Tyr1736=]DPAACGRISY

ClinVar aggregate classification (germline): Likely benign. Review status: criteria provided, multiple submitters, no conflicts (2 of 4 stars). 2 submissions from 2 submitters: Likely benign (2). Last evaluated 2023-11-01.

Allele frequency attached by ClinVar (database versions not stated): TOPMed 0.00002; ExAC 0.00003; gnomAD 0.00005; ESP Exome Variant Server 0.00008.
gnomAD v4.1: 48 of 1,611,774 alleles (0.003%); highest among the groups gnomAD compares: South Asian, 0.0099%; no homozygotes.

Submissions (2):

CeGaT Center for Human Genetics Tuebingen
Classification: Likely benign. Last evaluated: 2023-11-01. Review status: criteria provided, single submitter. Criteria: CeGaT Center For Human Genetics Tuebingen Variant Classification Criteria Version 2. Collection method: clinical testing. Allele origin: germline. Affected: yes. Observed: 1 variant allele.
Comment: CACNA1B: BP4, BP7

Labcorp Genetics (formerly Invitae), Labcorp
Classification: Likely benign. Last evaluated: 2023-10-09. Review status: criteria provided, single submitter. Criteria: Invitae Variant Classification Sherloc (09022015). Collection method: clinical testing. Allele origin: germline.